The following is an entry in ClinVar:

ClinVar aggregate classification (germline): Conflicting classifications of pathogenicity. Review status: criteria provided, conflicting classifications (1 of 4 stars). 9 submissions from 9 submitters: Uncertain significance (3); Likely benign (5). 1 of the submissions does not count toward it. Last evaluated 2026-04-06.

Conditions:
SLX4-related disorder. Also called: SLX4-related condition.
Fanconi anemia complementation group P. Also called: SLX4-Related Fanconi Anemia. Identifiers: Orphanet 84, MedGen C3469542, MONDO:0013499, OMIM 613951.
Fanconi anemia (FA). Also called: Fanconi's anemia. Identifiers: Orphanet 84, MedGen C0015625, MeSH D005199, MONDO:0019391.

Allele frequency attached by ClinVar (database versions not stated): gnomAD 0.00131; TOPMed 0.00156; ESP Exome Variant Server 0.00077; 1000 Genomes Project 0.00120; 1000 Genomes Project 30x 0.00125.
gnomAD v4.1: 454 of 1,614,138 alleles (0.028%); highest among the groups gnomAD compares: African/African-American, 0.53%; no homozygotes.

Submissions (10):

Dasa
Classification: Likely benign. Last evaluated: 2026-04-06. Review status: criteria provided, single submitter. Criteria: DASA Assertion Criteria. Collection method: clinical testing. Allele origin: germline.
Comment: NM_032444.4(SLX4):c.422G>T (p.Gly141Val) is a missense variant that results in the substitution of glycine with valine. Population frequency is inconsistent with a disease-causing role for this variant, and the variant context is inconsistent with a known disease-causing mechanism. Computational prediction algorithms are consistent with a benign effect. Therefore, based on the currently available evidence, this variant is classified as likely benign.

Labcorp Genetics (formerly Invitae), Labcorp
Classification: Likely benign for Fanconi anemia. Last evaluated: 2026-01-27. Review status: criteria provided, single submitter. Criteria: Invitae Variant Classification Sherloc (09022015). Collection method: clinical testing. Allele origin: germline.

Blueprint Genetics
Classification: Uncertain significance. Last evaluated: 2024-03-21. Review status: criteria provided, single submitter. Criteria: ACMG Guidelines, 2015. Collection method: clinical testing. Allele origin: germline.

CeGaT Center for Human Genetics Tuebingen
Classification: Likely benign. Last evaluated: 2022-05-01. Review status: criteria provided, single submitter. Criteria: CeGaT Center For Human Genetics Tuebingen Variant Classification Criteria Version 2. Collection method: clinical testing. Allele origin: germline. Affected: yes. Observed: 1 variant allele.
Comment: SLX4: BP4

Sema4
Classification: Likely benign for Fanconi anemia. Last evaluated: 2020-12-01. Review status: criteria provided, single submitter. Criteria: Sema4 Curation Guidelines. Collection method: curation. Allele origin: germline.

GeneDx
Classification: Uncertain significance. Last evaluated: 2018-05-17. Review status: criteria provided, single submitter. Criteria: GeneDx Variant Classification (06012015). Collection method: clinical testing. Allele origin: germline. Affected: yes.
Comment: The G141V variant in the SLX4 gene has not been reported previously as a pathogenic variant, nor as a benign variant, to our knowledge. The G141V variant is observed in 105/24034 (0.44%) alleles from individuals of African background, in large population cohorts (Lek et al., 2016). The G141V variant is a conservative amino acid substitution, which is not likely to impact secondary protein structure as these residues share similar properties. In-silico analyses, including protein predictors and evolutionary conservation, support that this variant does not alter protein structure/function. We interpret G141V as a variant of uncertain significance.

Illumina Laboratory Services, Illumina
Classification: Likely benign for Fanconi anemia complementation group P. Last evaluated: 2017-04-27. Review status: criteria provided, single submitter. Criteria: ICSL Variant Classification Criteria 13 December 2019. Collection method: clinical testing. Allele origin: germline.
Comment: This variant was observed as part of a predisposition screen in an ostensibly healthy population. A literature search was performed for the gene, cDNA change, and amino acid change (where applicable). No publications were found based on this search. Allele frequency data from public databases allowed determination this variant is unlikely to cause disease. Therefore, this variant is classified as likely benign.

Genetic Services Laboratory, University of Chicago
Classification: Uncertain significance. Last evaluated: 2015-09-25. Review status: criteria provided, single submitter. Criteria: ACMG Guidelines, 2015. Collection method: clinical testing. Allele origin: germline. Affected: no.

PreventionGenetics, part of Exact Sciences
Classification: Likely benign for SLX4-related condition. Last evaluated: 2022-02-10. Review status: no assertion criteria provided. Collection method: clinical testing. Allele origin: germline. Not counted in ClinVar's aggregate classification.
Comment: This variant is classified as likely benign based on ACMG/AMP sequence variant interpretation guidelines (Richards et al. 2015 PMID: 25741868, with internal and published modifications).

Dr. Peter K. Rogan Lab, Western University
No classification provided (evidence only). Condition: Uterine corpus endometrial carcinoma. Review status: no classification provided. Collection method: in vitro. Allele origin: not applicable. Functional consequence: retained intron. Not counted in ClinVar's aggregate classification.

NM_032444.4(SLX4):c.422G>T (p.Gly141Val)

Gene: SLX4 (SLX4 structure-specific endonuclease subunit; minus strand). Cytogenetic location: 16p13.3.
Variant type: single nucleotide variant.
Coding change: c.422G>T on transcript NM_032444.4 (MANE Select); coding-DNA position 422, G replaced by T.
Protein change: p.Gly141Val; replaces glycine 141 with valine.
Molecular consequence: missense variant.
Genome position (GRCh38, 1-based): chr16:3,608,543, C>A on the plus strand (G>T on the coding strand, the complement: SLX4 is on the minus strand). VCF-style: chr16-3608543-C-A. GRCh37 (hg19) VCF-style: chr16-3658544-C-A.
Other names: c.422G>T (LRG_503t1, NM_032444.3); short protein forms G141V.
Identifiers: ClinVar variation 423992 (VCV000423992.56), dbSNP rs77306735, ClinGen allele CA7866879.
Genomic context (GRCh38, chr16:3,608,543, plus strand): 5'-TGGGTGTTTTGTGCTGTTTCCCGGAGCACAGGTGGATCTGGAGCAGAGGCAAGCACACCC[C>A]CCTCCCCATTCACAGAGTGGGCCGGTTCACTTGCTTGCCATTTGGTTACCCTTTGCTTTT-3'
Protein context (NP_115820.2, residues 131-151): SEPAHSVNGE[Gly141Val]GVLASAPDPP